The following is an entry in ClinVar:

ClinVar aggregate classification (germline): Likely pathogenic (1 of 4 stars; one submission).

Conditions:
Atrial septal defect 5 (ASD5). Identifiers: Orphanet 1478, MedGen C2748552, MONDO:0013011, OMIM 612794.

Submission:

3billion
Classification: Likely pathogenic for Atrial septal defect 5. Last evaluated: 2022-03-22. Review status: criteria provided, single submitter. Criteria: ACMG Guidelines, 2015. Collection method: clinical testing. Allele origin: germline. Affected: yes. Observed: 1 heterozygote.
Comment: Frameshift: predicted to result in a loss or disruption of normal protein function through nonsense-mediated decay (NMD) or protein truncation. Multiple pathogenic variants are reported downstream of the variant.It is not observed in the gnomAD v2.1.1 dataset. Therefore, this variant is classified as likely pathogenic according to the recommendation of ACMG/AMP guideline.

NM_005159.5(ACTC1):c.663_679dup (p.Asn227fs)

Genes: ACTC1 (actin alpha cardiac muscle 1; minus strand), GJD2-DT (GJD2 divergent transcript; plus strand). Cytogenetic location: 15q14.
Variant type: Duplication.
Coding change: c.663_679dup on transcript NM_005159.5 (MANE Select); coding-DNA positions 663 to 679, 17 bases duplicated (CGCCCTGGATTTTGAGA).
Protein change: p.Asn227fs; shifts the reading frame from asparagine 227.
Molecular consequence: frameshift variant.
Genome position (GRCh38, 1-based): chr15:34,792,219-34,792,235, TCTCAAAATCCAGGGCG duplicated on the plus strand (CGCCCTGGATTTTGAGA on the coding strand, the reverse complement: ACTC1 is on the minus strand). VCF-style (leftmost placement, unchanged base first): chr15-34792218-T-TTCTCAAAATCCAGGGCG. GRCh37 (hg19) VCF-style: chr15-35084419-T-TTCTCAAAATCCAGGGCG.
Other names: short protein forms N227fs.
Identifiers: ClinVar variation 1526046 (VCV001526046.1), dbSNP rs2140430645, ClinGen allele CA2573150661.
Genomic context (GRCh38, chr15:34,792,218, plus strand): 5'-CCATCAGGCAGTTCATAGCTCTTCTCCAGGGAGGAGGAAGAGGCAGCTGTGGCCATCTCA[T>TTCTCAAAATCCAGGGCG]TCTCAAAATCCAGGGCGACATAGCACAGCTTCTCTTTAATGTCACGGACAATTTCACGTT-3'